The following is an entry in ClinVar:

ClinVar aggregate classification (germline): Uncertain significance (1 of 4 stars; one submission).

Submission:

Labcorp Genetics (formerly Invitae), Labcorp
Classification: Uncertain significance. Last evaluated: 2023-11-13. Review status: criteria provided, single submitter. Criteria: Invitae Variant Classification Sherloc (09022015). Collection method: clinical testing. Allele origin: germline.
Comment: This sequence change replaces phenylalanine, which is neutral and non-polar, with leucine, which is neutral and non-polar, at codon 258 of the MSH3 protein (p.Phe258Leu). This variant is not present in population databases (gnomAD no frequency). This variant has not been reported in the literature in individuals affected with MSH3-related conditions. ClinVar contains an entry for this variant (Variation ID: 2065563). An algorithm developed to predict the effect of missense changes on protein structure and function (PolyPhen-2) suggests that this variant is likely to be tolerated. In summary, the available evidence is currently insufficient to determine the role of this variant in disease. Therefore, it has been classified as a Variant of Uncertain Significance.

NM_002439.5(MSH3):c.774C>A (p.Phe258Leu)

Gene: MSH3 (mutS homolog 3; plus strand). Cytogenetic location: 5q14.1.
Variant type: single nucleotide variant.
Coding change: c.774C>A on transcript NM_002439.5 (MANE Select); coding-DNA position 774, C replaced by A.
Protein change: p.Phe258Leu; replaces phenylalanine 258 with leucine.
Molecular consequence: missense variant.
Genome position (GRCh38, 1-based): chr5:80,670,291, C>A. VCF-style: chr5-80670291-C-A. GRCh37 (hg19) VCF-style: chr5-79966110-C-A.
Other names: short protein forms F258L.
Identifiers: ClinVar variation 2065563 (VCV002065563.4), dbSNP rs1680563146, ClinGen allele CA360266996.